The following continues an entry in ClinVar:

NM_005529.7(HSPG2):c.7806C>A (p.Val2602=)

Gene: HSPG2. ClinVar aggregate classification (germline): Benign/Likely benign. Benign (8); Likely benign (1).

Submissions 31 to 67 of 110:

Dr. Peter K. Rogan Lab, Western University
No classification provided (evidence only). Condition: Familial pancreatic carcinoma. Review status: no classification provided. Collection method: in vitro. Allele origin: not applicable. Functional consequence: retained intron. Not counted in ClinVar's aggregate classification.

Dr. Peter K. Rogan Lab, Western University
No classification provided (evidence only). Condition: Acute myeloid leukemia. Review status: no classification provided. Collection method: in vitro. Allele origin: not applicable. Functional consequence: retained intron. Not counted in ClinVar's aggregate classification.

Dr. Peter K. Rogan Lab, Western University
No classification provided (evidence only). Condition: Acute myeloid leukemia. Review status: no classification provided. Collection method: in vitro. Allele origin: not applicable. Functional consequence: retained intron. Not counted in ClinVar's aggregate classification.

Dr. Peter K. Rogan Lab, Western University
No classification provided (evidence only). Condition: Acute myeloid leukemia. Review status: no classification provided. Collection method: in vitro. Allele origin: not applicable. Functional consequence: retained intron. Not counted in ClinVar's aggregate classification.

Dr. Peter K. Rogan Lab, Western University
No classification provided (evidence only). Condition: Acute myeloid leukemia. Review status: no classification provided. Collection method: in vitro. Allele origin: not applicable. Functional consequence: retained intron. Not counted in ClinVar's aggregate classification.

Dr. Peter K. Rogan Lab, Western University
No classification provided (evidence only). Condition: Acute myeloid leukemia. Review status: no classification provided. Collection method: in vitro. Allele origin: not applicable. Functional consequence: retained intron. Not counted in ClinVar's aggregate classification.

Dr. Peter K. Rogan Lab, Western University
No classification provided (evidence only). Condition: Colon adenocarcinoma. Review status: no classification provided. Collection method: in vitro. Allele origin: not applicable. Functional consequence: retained intron. Not counted in ClinVar's aggregate classification.

Dr. Peter K. Rogan Lab, Western University
No classification provided (evidence only). Condition: Colon adenocarcinoma. Review status: no classification provided. Collection method: in vitro. Allele origin: not applicable. Functional consequence: retained intron. Not counted in ClinVar's aggregate classification.

Dr. Peter K. Rogan Lab, Western University
No classification provided (evidence only). Condition: Colon adenocarcinoma. Review status: no classification provided. Collection method: in vitro. Allele origin: not applicable. Functional consequence: retained intron. Not counted in ClinVar's aggregate classification.

Dr. Peter K. Rogan Lab, Western University
No classification provided (evidence only). Condition: Colon adenocarcinoma. Review status: no classification provided. Collection method: in vitro. Allele origin: not applicable. Functional consequence: retained intron. Not counted in ClinVar's aggregate classification.

Dr. Peter K. Rogan Lab, Western University
No classification provided (evidence only). Condition: Colon adenocarcinoma. Review status: no classification provided. Collection method: in vitro. Allele origin: not applicable. Functional consequence: retained intron. Not counted in ClinVar's aggregate classification.

Dr. Peter K. Rogan Lab, Western University
No classification provided (evidence only). Condition: Colon adenocarcinoma. Review status: no classification provided. Collection method: in vitro. Allele origin: not applicable. Functional consequence: retained intron. Not counted in ClinVar's aggregate classification.

Dr. Peter K. Rogan Lab, Western University
No classification provided (evidence only). Condition: Colon adenocarcinoma. Review status: no classification provided. Collection method: in vitro. Allele origin: not applicable. Functional consequence: retained intron. Not counted in ClinVar's aggregate classification.

Dr. Peter K. Rogan Lab, Western University
No classification provided (evidence only). Condition: Colon adenocarcinoma. Review status: no classification provided. Collection method: in vitro. Allele origin: not applicable. Functional consequence: retained intron. Not counted in ClinVar's aggregate classification.

Dr. Peter K. Rogan Lab, Western University
No classification provided (evidence only). Condition: Colon adenocarcinoma. Review status: no classification provided. Collection method: in vitro. Allele origin: not applicable. Functional consequence: retained intron. Not counted in ClinVar's aggregate classification.

Dr. Peter K. Rogan Lab, Western University
No classification provided (evidence only). Condition: Colon adenocarcinoma. Review status: no classification provided. Collection method: in vitro. Allele origin: not applicable. Functional consequence: retained intron. Not counted in ClinVar's aggregate classification.

Dr. Peter K. Rogan Lab, Western University
No classification provided (evidence only). Condition: Colon adenocarcinoma. Review status: no classification provided. Collection method: in vitro. Allele origin: not applicable. Functional consequence: retained intron. Not counted in ClinVar's aggregate classification.

Dr. Peter K. Rogan Lab, Western University
No classification provided (evidence only). Condition: Colon adenocarcinoma. Review status: no classification provided. Collection method: in vitro. Allele origin: not applicable. Functional consequence: retained intron. Not counted in ClinVar's aggregate classification.

Dr. Peter K. Rogan Lab, Western University
No classification provided (evidence only). Condition: Colon adenocarcinoma. Review status: no classification provided. Collection method: in vitro. Allele origin: not applicable. Functional consequence: retained intron. Not counted in ClinVar's aggregate classification.

Dr. Peter K. Rogan Lab, Western University
No classification provided (evidence only). Condition: Colon adenocarcinoma. Review status: no classification provided. Collection method: in vitro. Allele origin: not applicable. Functional consequence: retained intron. Not counted in ClinVar's aggregate classification.

Dr. Peter K. Rogan Lab, Western University
No classification provided (evidence only). Condition: Familial pancreatic carcinoma. Review status: no classification provided. Collection method: in vitro. Allele origin: not applicable. Functional consequence: retained intron. Not counted in ClinVar's aggregate classification.

Dr. Peter K. Rogan Lab, Western University
No classification provided (evidence only). Condition: Familial pancreatic carcinoma. Review status: no classification provided. Collection method: in vitro. Allele origin: not applicable. Functional consequence: retained intron. Not counted in ClinVar's aggregate classification.

Dr. Peter K. Rogan Lab, Western University
No classification provided (evidence only). Condition: Familial pancreatic carcinoma. Review status: no classification provided. Collection method: in vitro. Allele origin: not applicable. Functional consequence: retained intron. Not counted in ClinVar's aggregate classification.

Dr. Peter K. Rogan Lab, Western University
No classification provided (evidence only). Condition: Familial pancreatic carcinoma. Review status: no classification provided. Collection method: in vitro. Allele origin: not applicable. Functional consequence: retained intron. Not counted in ClinVar's aggregate classification.

Dr. Peter K. Rogan Lab, Western University
No classification provided (evidence only). Condition: Lymphoma. Review status: no classification provided. Collection method: in vitro. Allele origin: not applicable. Functional consequence: retained intron. Not counted in ClinVar's aggregate classification.

Dr. Peter K. Rogan Lab, Western University
No classification provided (evidence only). Condition: Lymphoma. Review status: no classification provided. Collection method: in vitro. Allele origin: not applicable. Functional consequence: retained intron. Not counted in ClinVar's aggregate classification.

Dr. Peter K. Rogan Lab, Western University
No classification provided (evidence only). Condition: Lymphoma. Review status: no classification provided. Collection method: in vitro. Allele origin: not applicable. Functional consequence: retained intron. Not counted in ClinVar's aggregate classification.

Dr. Peter K. Rogan Lab, Western University
No classification provided (evidence only). Condition: Lymphoma. Review status: no classification provided. Collection method: in vitro. Allele origin: not applicable. Functional consequence: retained intron. Not counted in ClinVar's aggregate classification.

Dr. Peter K. Rogan Lab, Western University
No classification provided (evidence only). Condition: Lymphoma. Review status: no classification provided. Collection method: in vitro. Allele origin: not applicable. Functional consequence: cryptic splice site, retained intron. Not counted in ClinVar's aggregate classification.

Dr. Peter K. Rogan Lab, Western University
No classification provided (evidence only). Condition: Lymphoma. Review status: no classification provided. Collection method: in vitro. Allele origin: not applicable. Functional consequence: retained intron. Not counted in ClinVar's aggregate classification.

Dr. Peter K. Rogan Lab, Western University
No classification provided (evidence only). Condition: Lymphoma. Review status: no classification provided. Collection method: in vitro. Allele origin: not applicable. Functional consequence: retained intron. Not counted in ClinVar's aggregate classification.

Dr. Peter K. Rogan Lab, Western University
No classification provided (evidence only). Condition: Lymphoma. Review status: no classification provided. Collection method: in vitro. Allele origin: not applicable. Functional consequence: retained intron. Not counted in ClinVar's aggregate classification.

Dr. Peter K. Rogan Lab, Western University
No classification provided (evidence only). Condition: Lymphoma. Review status: no classification provided. Collection method: in vitro. Allele origin: not applicable. Functional consequence: retained intron. Not counted in ClinVar's aggregate classification.

Dr. Peter K. Rogan Lab, Western University
No classification provided (evidence only). Condition: Ovarian cancer. Review status: no classification provided. Collection method: in vitro. Allele origin: not applicable. Functional consequence: retained intron. Not counted in ClinVar's aggregate classification.

Dr. Peter K. Rogan Lab, Western University
No classification provided (evidence only). Condition: Ovarian cancer. Review status: no classification provided. Collection method: in vitro. Allele origin: not applicable. Functional consequence: cryptic splice site, retained intron. Not counted in ClinVar's aggregate classification.

Dr. Peter K. Rogan Lab, Western University
No classification provided (evidence only). Condition: Ovarian cancer. Review status: no classification provided. Collection method: in vitro. Allele origin: not applicable. Functional consequence: retained intron. Not counted in ClinVar's aggregate classification.

Dr. Peter K. Rogan Lab, Western University
No classification provided (evidence only). Condition: Ovarian cancer. Review status: no classification provided. Collection method: in vitro. Allele origin: not applicable. Functional consequence: cryptic splice site, skipped exon, retained intron. Not counted in ClinVar's aggregate classification.